The following is an entry in ClinVar:

NM_058216.3(RAD51C):c.649A>G (p.Thr217Ala)

Genes: RAD51C (RAD51 paralog C; plus strand), LOC129390903 (MPRA-validated peak2919 silencer; plus strand). Cytogenetic location: 17q22.
Variant type: single nucleotide variant.
Coding change: c.649A>G on transcript NM_058216.3 (MANE Select); coding-DNA position 649, A replaced by G.
Protein change: p.Thr217Ala; replaces threonine 217 with alanine.
Molecular consequence: missense variant. On other transcripts: non-coding transcript variant (1).
Genome position (GRCh38, 1-based): chr17:58,703,273, A>G. VCF-style: chr17-58703273-A-G. GRCh37 (hg19) VCF-style: chr17-56780634-A-G.
Other names: short protein forms T217A.
Identifiers: ClinVar variation 951154 (VCV000951154.13), dbSNP rs1555597189, ClinGen allele CA400349651.

ClinVar aggregate classification (germline): Conflicting classifications of pathogenicity. Review status: criteria provided, conflicting classifications (1 of 4 stars). 3 submissions from 3 submitters: Uncertain significance (2); Benign (1). Last evaluated 2025-10-28.

Conditions:
Hereditary cancer-predisposing syndrome. Also called: Hereditary neoplastic syndrome; Tumor predisposition; Neoplastic Syndromes, Hereditary; Hereditary Cancer Syndrome. Identifiers: Orphanet 140162, MedGen C0027672, MeSH D009386, MONDO:0015356.
Fanconi anemia complementation group O. Also called: RAD51C-Related Fanconi Anemia. Identifiers: Orphanet 84, MedGen C3150653, MONDO:0013248, OMIM 613390.

Submissions (3):

Ambry Genetics
Classification: Benign for Hereditary cancer-predisposing syndrome. Last evaluated: 2025-10-28. Review status: criteria provided, single submitter. Criteria: Ambry Variant Classification Scheme 2023. Collection method: clinical testing. Allele origin: germline.

Color Diagnostics, LLC DBA Color Health
Classification: Uncertain significance for Hereditary cancer-predisposing syndrome. Last evaluated: 2025-07-28. Review status: criteria provided, single submitter. Criteria: ACMG Guidelines, 2015. Collection method: clinical testing. Allele origin: germline.
Comment: This missense variant replaces threonine with alanine at codon 217 of the RAD51C protein. Computational prediction suggests that this variant may not impact protein structure and function. To our knowledge, functional studies have not been reported for this variant. This variant has not been reported in individuals affected with RAD51C-related disorders in the literature. This variant has not been identified in the general population by the Genome Aggregation Database (gnomAD). The available evidence is insufficient to determine the role of this variant in disease conclusively. Therefore, this variant is classified as a Variant of Uncertain Significance.

Labcorp Genetics (formerly Invitae), Labcorp
Classification: Uncertain significance for Fanconi anemia complementation group O. Last evaluated: 2019-04-30. Review status: criteria provided, single submitter. Criteria: Invitae Variant Classification Sherloc (09022015). Collection method: clinical testing. Allele origin: germline.
Comment: This sequence change replaces threonine with alanine at codon 217 of the RAD51C protein (p.Thr217Ala). The threonine residue is weakly conserved and there is a small physicochemical difference between threonine and alanine. This variant is not present in population databases (ExAC no frequency). This variant has not been reported in the literature in individuals with RAD51C-related conditions. Algorithms developed to predict the effect of missense changes on protein structure and function (SIFT, PolyPhen-2, Align-GVGD) all suggest that this variant is likely to be tolerated, but these predictions have not been confirmed by published functional studies and their clinical significance is uncertain. In summary, the available evidence is currently insufficient to determine the role of this variant in disease. Therefore, it has been classified as a Variant of Uncertain Significance.